The following is an entry in ClinVar:

NM_001267550.2(TTN):c.74468C>G (p.Ala24823Gly)

Genes: TTN (titin; minus strand), TTN-AS1 (TTN antisense RNA 1; plus strand). Cytogenetic location: 2q31.2.
Variant type: single nucleotide variant.
Coding change: c.74468C>G on transcript NM_001267550.2 (MANE Select); coding-DNA position 74468, C replaced by G.
Protein change: p.Ala24823Gly; replaces alanine 24823 with glycine.
Molecular consequence: missense variant.
Genome position (GRCh38, 1-based): chr2:178,571,664, G>C on the plus strand (C>G on the coding strand, the complement: TTN is on the minus strand). VCF-style: chr2-178571664-G-C. GRCh37 (hg19) VCF-style: chr2-179436391-G-C.
Other names: c.69545C>G, p.Ala23182Gly (NM_001256850.1); c.47273C>G, p.Ala15758Gly (NM_003319.4); c.66764C>G, p.Ala22255Gly (NM_133378.4); c.47648C>G, p.Ala15883Gly (NM_133432.3); c.47849C>G, p.Ala15950Gly (NM_133437.4); short protein forms A15758G, A15883G, A15950G, A22255G, A23182G, A24823G.
Identifiers: ClinVar variation 978752 (VCV000978752.5), dbSNP rs368071644, ClinGen allele CA1990193.

ClinVar aggregate classification (germline): Conflicting classifications of pathogenicity. Review status: criteria provided, conflicting classifications (1 of 4 stars). 3 submissions from 3 submitters: Uncertain significance (2); Likely benign (1). Last evaluated 2025-11-04.

Conditions:
TTN-related disorder. Also called: TTN-related condition; TTN-related disease; TTN-related disorders.
Primary dilated cardiomyopathy (DCM). Also called: Dilated Cardiomyopathy. Identifiers: Orphanet 217604, MedGen C0007193, MeSH D002311, MONDO:0005021, HP:0001644. Inheritance: Various modes of inheritance.

Allele frequency attached by ClinVar (database versions not stated): ExAC 0.00001; TOPMed 0.00002; ESP Exome Variant Server 0.00008.
gnomAD v4.1: 7 of 1,613,436 alleles (0.00043%); highest among the groups gnomAD compares: African/African-American, 0.004%; no homozygotes.

Submissions (3):

PreventionGenetics, part of Exact Sciences
Classification: Uncertain significance for TTN-related condition. Last evaluated: 2025-11-04. Review status: criteria provided, single submitter. Criteria: ACMG Guidelines, 2015. Collection method: clinical testing. Allele origin: germline.
Comment: The TTN c.74468C>G variant is predicted to result in the amino acid substitution p.Ala24823Gly. To our knowledge, this variant has not been reported in the literature. This variant is reported in 0.013% of alleles in individuals of African descent in gnomAD. At this time, the clinical significance of this variant is uncertain due to the absence of conclusive functional and genetic evidence.

Revvity Omics, Revvity
Classification: Uncertain significance. Last evaluated: 2022-08-30. Review status: criteria provided, single submitter. Criteria: ACMG Guidelines, 2015. Collection method: clinical testing. Allele origin: germline.

Genetics and Genomics Program, Sidra Medicine
Classification: Likely benign for Primary dilated cardiomyopathy. Review status: criteria provided, single submitter. Criteria: ACMG Guidelines, 2015. Collection method: research. Allele origin: unknown. Affected: yes. Observed: 1 variant allele.